The following is an entry in ClinVar:

ClinVar aggregate classification (germline): Benign/Likely benign. Review status: criteria provided, multiple submitters, no conflicts (2 of 4 stars). 3 submissions from 3 submitters: Benign (1); Likely benign (2). Last evaluated 2025-05-07.

Conditions:
Familial thoracic aortic aneurysm and aortic dissection (TAAD). Also called: Thoracic aortic aneurysms and dissections. Identifiers: Orphanet 91387, MedGen C4707243, MONDO:0019625.
Marfan syndrome (MFS). Also called: Marfan syndrome type 1; Marfan syndrome, classic; Marfan's syndrome; FBN1-Related Marfan Syndrome; MARFAN SYNDROME, TYPE I. Identifiers: Orphanet 284963, Orphanet 558, MedGen C0024796, MONDO:0007947, OMIM 154700.

Allele frequency attached by ClinVar (database versions not stated): gnomAD exomes below 0.00001 and 0.00001; ExAC 0.00001; gnomAD 0.00001; ESP Exome Variant Server 0.00008.
gnomAD v4.1: 2 of 1,614,004 alleles (0.00012%); highest among the groups gnomAD compares: African/African-American, 0.0027%; no homozygotes.

Submissions (3):

Labcorp Genetics (formerly Invitae), Labcorp
Classification: Benign for Marfan syndrome; Familial thoracic aortic aneurysm and aortic dissection. Last evaluated: 2025-05-07. Review status: criteria provided, single submitter. Criteria: Invitae Variant Classification Sherloc (09022015). Collection method: clinical testing. Allele origin: germline.

Ambry Genetics
Classification: Likely benign for Familial thoracic aortic aneurysm and aortic dissection. Last evaluated: 2020-08-31. Review status: criteria provided, single submitter. Criteria: Ambry Variant Classification Scheme 2023. Collection method: clinical testing. Allele origin: germline.

GeneDx
Classification: Likely benign. Last evaluated: 2017-07-18. Review status: criteria provided, single submitter. Criteria: GeneDx Variant Classification (06012015). Collection method: clinical testing. Allele origin: germline. Affected: yes.
Comment: This variant is considered likely benign or benign based on one or more of the following criteria: it is a conservative change, it occurs at a poorly conserved position in the protein, it is predicted to be benign by multiple in silico algorithms, and/or has population frequency not consistent with disease.

NM_000138.5(FBN1):c.7749C>T (p.Asn2583=)

Gene: FBN1 (fibrillin 1; minus strand). Cytogenetic location: 15q21.1.
Variant type: single nucleotide variant.
Coding change: c.7749C>T on transcript NM_000138.5 (MANE Select); coding-DNA position 7749, C replaced by T.
Protein change: p.Asn2583=; no amino-acid change (asparagine 2583 retained).
Molecular consequence: synonymous variant.
Genome position (GRCh38, 1-based): chr15:48,420,757, G>A on the plus strand (C>T on the coding strand, the complement: FBN1 is on the minus strand). VCF-style: chr15-48420757-G-A. GRCh37 (hg19) VCF-style: chr15-48712954-G-A.
Identifiers: ClinVar variation 510906 (VCV000510906.5), dbSNP rs374951628, ClinGen allele CA059176.
Genomic context (GRCh38, chr15:48,420,757, plus strand): 5'-GTTCCACTGGTAGTGCTGGAGGTAGCCCTGGGGGCAGCTGCACCTGTAGCCCCCAATGAT[G>A]TTCTGGCAGCCATGCTGGCAGCGGTGGTTACCCTCACACTCGTCCACGTCTGAAAAAGAA-3'
Protein context (NP_000129.3, residues 2573-2593): GNHRCQHGCQ[Asn2583=]IIGGYRCSCP